The following is an entry in ClinVar:

ClinVar aggregate classification (germline): Uncertain significance. Review status: criteria provided, multiple submitters, no conflicts (2 of 4 stars). 2 submissions from 2 submitters: Uncertain significance (2). Last evaluated 2025-02-27.

Conditions:
SLC26A1-related disorder. Also called: SLC26A1-related condition.

gnomAD v4.1: 20 of 1,602,090 alleles (0.0012%); highest among the groups gnomAD compares: East Asian, 0.0023%; no homozygotes.

Submissions (2):

PreventionGenetics, part of Exact Sciences
Classification: Uncertain significance for SLC26A1-related condition. Last evaluated: 2025-02-27. Review status: criteria provided, single submitter. Criteria: ACMG Guidelines, 2015. Collection method: clinical testing. Allele origin: germline.
Comment: The SLC26A1 c.1843G>A variant is predicted to result in the amino acid substitution p.Asp615Asn. To our knowledge, this variant has not been reported in the literature. This variant is reported in 0.0091% of alleles in individuals of African descent in gnomAD. At this time, the clinical significance of this variant is uncertain due to the absence of conclusive functional and genetic evidence.

Labcorp Genetics (formerly Invitae), Labcorp
Classification: Uncertain significance. Last evaluated: 2024-04-29. Review status: criteria provided, single submitter. Criteria: Invitae Variant Classification Sherloc (09022015). Collection method: clinical testing. Allele origin: germline.
Comment: This sequence change replaces aspartic acid, which is acidic and polar, with asparagine, which is neutral and polar, at codon 615 of the SLC26A1 protein (p.Asp615Asn). The frequency data for this variant in the population databases is considered unreliable, as metrics indicate poor data quality at this position in the gnomAD database. This variant has not been reported in the literature in individuals affected with SLC26A1-related conditions. Advanced modeling of protein sequence and biophysical properties (such as structural, functional, and spatial information, amino acid conservation, physicochemical variation, residue mobility, and thermodynamic stability) performed at Invitae indicates that this missense variant is not expected to disrupt SLC26A1 protein function with a negative predictive value of 80%. In summary, the available evidence is currently insufficient to determine the role of this variant in disease. Therefore, it has been classified as a Variant of Uncertain Significance.

NM_022042.4(SLC26A1):c.1843G>A (p.Asp615Asn)

Genes: SLC26A1 (solute carrier family 26 member 1; minus strand), IDUA (alpha-L-iduronidase; plus strand). Cytogenetic location: 4p16.3.
Variant type: single nucleotide variant.
Coding change: c.1843G>A on transcript NM_022042.4 (MANE Select); coding-DNA position 1843, G replaced by A.
Protein change: p.Asp615Asn; replaces aspartic acid 615 with asparagine.
Molecular consequence: missense variant. On other transcripts: intron variant (2).
Genome position (GRCh38, 1-based): chr4:989,096, C>T on the plus strand (G>A on the coding strand, the complement: SLC26A1 is on the minus strand). VCF-style: chr4-989096-C-T. GRCh37 (hg19) VCF-style: chr4-982884-C-T.
Other names: c.1843G>A (NM_022042.3); c.1843G>A, p.Asp615Asn (NM_213613.4); c.576+2032G>A (NM_134425.4); c.299+1147C>T (NM_000203.5); short protein forms D615N.
Identifiers: ClinVar variation 3608119 (VCV003608119.3).